The following is an entry in ClinVar:

ClinVar aggregate classification (germline): Uncertain significance (1 of 4 stars; one submission).

Allele frequency attached by ClinVar (database versions not stated): gnomAD exomes below 0.00001 and 0.00001; TOPMed 0.00002.
gnomAD v4.1: 4 of 1,611,636 alleles (0.00025%); highest among the groups gnomAD compares: Admixed American, 0.0017%; no homozygotes.

Submission:

Labcorp Genetics (formerly Invitae), Labcorp
Classification: Uncertain significance. Last evaluated: 2025-04-21. Review status: criteria provided, single submitter. Criteria: Invitae Variant Classification Sherloc (09022015). Collection method: clinical testing. Allele origin: germline.
Comment: This sequence change replaces arginine, which is basic and polar, with glutamine, which is neutral and polar, at codon 1952 of the DSCAML1 protein (p.Arg1952Gln). This variant is present in population databases (no rsID available, gnomAD 0.005%). This variant has not been reported in the literature in individuals affected with DSCAML1-related conditions. ClinVar contains an entry for this variant (Variation ID: 1438134). An algorithm developed to predict the effect of missense changes on protein structure and function (PolyPhen-2) suggests that this variant is likely to be disruptive. In summary, the available evidence is currently insufficient to determine the role of this variant in disease. Therefore, it has been classified as a Variant of Uncertain Significance.

NM_020693.4(DSCAML1):c.5675G>A (p.Arg1892Gln)

Gene: DSCAML1 (DS cell adhesion molecule like 1; minus strand). Cytogenetic location: 11q23.3.
Variant type: single nucleotide variant.
Coding change: c.5675G>A on transcript NM_020693.4 (MANE Select); coding-DNA position 5675, G replaced by A.
Protein change: p.Arg1892Gln; replaces arginine 1892 with glutamine.
Molecular consequence: missense variant.
Genome position (GRCh38, 1-based): chr11:117,430,733, C>T on the plus strand (G>A on the coding strand, the complement: DSCAML1 is on the minus strand). VCF-style: chr11-117430733-C-T. GRCh37 (hg19) VCF-style: chr11-117301449-C-T.
Other names: short protein forms R1892Q.
Identifiers: ClinVar variation 1438134 (VCV001438134.6), dbSNP rs1308277202, ClinGen allele CA382752271.
Genomic context (GRCh38, chr11:117,430,733, plus strand): 5'-GGGCCAGGGGGCGGGGGGGCACTGCCTGGGAGGTGGTCTGAGCACTCACTCTTGTTGGCC[C>T]GGTGAGGGATGGGCACAGCCACGTTTTTGCCCCGGTCCGCATCCTGGGGCTTGGGTGGTG-3'
Protein context (NP_065744.3, residues 1882-1902): GKNVAVPIPH[Arg1892Gln]ANKSDYCNLP